The following is an entry in ClinVar:

NM_003954.5(MAP3K14):c.817C>G (p.Gln273Glu)

Gene: MAP3K14 (mitogen-activated protein kinase kinase kinase 14; minus strand). Cytogenetic location: 17q21.31.
Variant type: single nucleotide variant.
Coding change: c.817C>G on transcript NM_003954.5 (MANE Select); coding-DNA position 817, C replaced by G.
Protein change: p.Gln273Glu; replaces glutamine 273 with glutamic acid.
Molecular consequence: missense variant.
Genome position (GRCh38, 1-based): chr17:45,286,766, G>C on the plus strand (C>G on the coding strand, the complement: MAP3K14 is on the minus strand). VCF-style: chr17-45286766-G-C. GRCh37 (hg19) VCF-style: chr17-43364133-G-C.
Other names: short protein forms Q273E.
Identifiers: ClinVar variation 962845 (VCV000962845.9), dbSNP rs368122915, ClinGen allele CA8614270.

ClinVar aggregate classification (germline): Uncertain significance. Review status: criteria provided, multiple submitters, no conflicts (2 of 4 stars). 3 submissions from 3 submitters: Uncertain significance (3). Last evaluated 2022-08-29.

Conditions:
NIK deficiency. Also called: Primary immunodeficiency with multifaceted aberrant lymphoid immunity. Identifiers: Orphanet 447731, MedGen C5680065, MONDO:0018642.

Allele frequency attached by ClinVar (database versions not stated): gnomAD 0.00001 and 0.00002; gnomAD exomes 0.00002; TOPMed 0.00002; ExAC 0.00004; ESP Exome Variant Server 0.00008; 1000 Genomes Project 30x 0.00016; 1000 Genomes Project 0.00020.

Submissions (3):

Blueprint Genetics
Classification: Uncertain significance. Last evaluated: 2022-08-29. Review status: criteria provided, single submitter. Criteria: ACMG Guidelines, 2015. Collection method: clinical testing. Allele origin: germline.

Labcorp Genetics (formerly Invitae), Labcorp
Classification: Uncertain significance for NIK deficiency. Last evaluated: 2022-08-23. Review status: criteria provided, single submitter. Criteria: Invitae Variant Classification Sherloc (09022015). Collection method: clinical testing. Allele origin: germline.
Comment: This sequence change replaces glutamine, which is neutral and polar, with glutamic acid, which is acidic and polar, at codon 273 of the MAP3K14 protein (p.Gln273Glu). This variant is present in population databases (rs368122915, gnomAD 0.007%). This variant has not been reported in the literature in individuals affected with MAP3K14-related conditions. ClinVar contains an entry for this variant (Variation ID: 962845). Algorithms developed to predict the effect of missense changes on protein structure and function output the following: SIFT: "Not Available"; PolyPhen-2: "Not Available"; Align-GVGD: "Not Available". The glutamic acid amino acid residue is found in multiple mammalian species, which suggests that this missense change does not adversely affect protein function. In summary, the available evidence is currently insufficient to determine the role of this variant in disease. Therefore, it has been classified as a Variant of Uncertain Significance.

Breakthrough Genomics
Classification: Uncertain significance. Review status: criteria provided, single submitter. Criteria: ACMG Guidelines, 2015. Collection method: not provided. Allele origin: germline. Inheritance: Unknown mechanism. Affected: yes.